The following is an entry in ClinVar:

NM_001365999.1(SZT2):c.1331T>C (p.Met444Thr)

Gene: SZT2 (SZT2 subunit of KICSTOR complex; plus strand). Cytogenetic location: 1p34.2.
Variant type: single nucleotide variant.
Coding change: c.1331T>C on transcript NM_001365999.1 (MANE Select); coding-DNA position 1331, T replaced by C.
Protein change: p.Met444Thr; replaces methionine 444 with threonine.
Molecular consequence: missense variant.
Genome position (GRCh38, 1-based): chr1:43,420,818, T>C. VCF-style: chr1-43420818-T-C. GRCh37 (hg19) VCF-style: chr1-43886489-T-C.
Other names: c.1331T>C, p.Met444Thr (NM_015284.4); short protein forms M444T.
Identifiers: ClinVar variation 952518 (VCV000952518.9), dbSNP rs1276600237, ClinGen allele CA340007334.

ClinVar aggregate classification (germline): Uncertain significance. Review status: criteria provided, multiple submitters, no conflicts (2 of 4 stars). 2 submissions from 2 submitters: Uncertain significance (2). Last evaluated 2026-01-23.

Allele frequency attached by ClinVar (database versions not stated): gnomAD exomes 0.00001.

Submissions (2):

GeneDx
Classification: Uncertain significance. Last evaluated: 2026-01-23. Review status: criteria provided, single submitter. Criteria: GeneDx Variant Classification Process June 2021. Collection method: clinical testing. Allele origin: germline.
Comment: Not observed at significant frequency in large population cohorts (gnomAD); In silico analysis suggests that this missense variant does not alter protein structure/function; Has not been previously published as pathogenic or benign to our knowledge

Labcorp Genetics (formerly Invitae), Labcorp
Classification: Uncertain significance. Last evaluated: 2024-11-27. Review status: criteria provided, single submitter. Criteria: Invitae Variant Classification Sherloc (09022015). Collection method: clinical testing. Allele origin: germline.
Comment: This sequence change replaces methionine, which is neutral and non-polar, with threonine, which is neutral and polar, at codon 444 of the SZT2 protein (p.Met444Thr). This variant is present in population databases (no rsID available, gnomAD 0.006%). This variant has not been reported in the literature in individuals affected with SZT2-related conditions. ClinVar contains an entry for this variant (Variation ID: 952518). Invitae Evidence Modeling of protein sequence and biophysical properties (such as structural, functional, and spatial information, amino acid conservation, physicochemical variation, residue mobility, and thermodynamic stability) indicates that this missense variant is not expected to disrupt SZT2 protein function with a negative predictive value of 80%. In summary, the available evidence is currently insufficient to determine the role of this variant in disease. Therefore, it has been classified as a Variant of Uncertain Significance.